The following is an entry in ClinVar:

NM_017791.3(FLVCR2):c.1067C>A (p.Ala356Glu)

Gene: FLVCR2 (FLVCR choline and putative heme transporter 2; plus strand). Cytogenetic location: 14q24.3.
Variant type: single nucleotide variant.
Coding change: c.1067C>A on transcript NM_017791.3 (MANE Select); coding-DNA position 1067, C replaced by A.
Protein change: p.Ala356Glu; replaces alanine 356 with glutamic acid.
Molecular consequence: missense variant.
Genome position (GRCh38, 1-based): chr14:75,634,956, C>A. VCF-style: chr14-75634956-C-A. GRCh37 (hg19) VCF-style: chr14-76101299-C-A.
Other names: c.1067C>A (NM_017791.2); c.452C>A, p.Ala151Glu (NM_001195283.2); short protein forms A151E, A356E.
Identifiers: ClinVar variation 2145552 (VCV002145552.5), dbSNP rs1415947098, ClinGen allele CA390459365.

ClinVar aggregate classification (germline): Uncertain significance. Review status: criteria provided, multiple submitters, no conflicts (2 of 4 stars). 2 submissions from 2 submitters: Uncertain significance (2). Last evaluated 2024-03-01.

Conditions:
Inborn genetic diseases. Identifiers: MedGen C0950123, MeSH D030342.

Allele frequency attached by ClinVar (database versions not stated): gnomAD exomes 0.00001.
gnomAD v4.1: 5 of 1,614,008 alleles (0.00031%); highest among the groups gnomAD compares: Admixed American, 0.0083%; no homozygotes.

Submissions (2):

Ambry Genetics
Classification: Uncertain significance for Inborn genetic diseases. Last evaluated: 2024-03-01. Review status: criteria provided, single submitter. Criteria: Ambry Variant Classification Scheme 2023. Collection method: clinical testing. Allele origin: germline.

Labcorp Genetics (formerly Invitae), Labcorp
Classification: Uncertain significance. Last evaluated: 2022-11-08. Review status: criteria provided, single submitter. Criteria: Invitae Variant Classification Sherloc (09022015). Collection method: clinical testing. Allele origin: germline.
Comment: This variant has not been reported in the literature in individuals affected with FLVCR2-related conditions. This variant is present in population databases (no rsID available, gnomAD 0.009%). This sequence change replaces alanine, which is neutral and non-polar, with glutamic acid, which is acidic and polar, at codon 356 of the FLVCR2 protein (p.Ala356Glu). In summary, the available evidence is currently insufficient to determine the role of this variant in disease. Therefore, it has been classified as a Variant of Uncertain Significance. Advanced modeling of protein sequence and biophysical properties (such as structural, functional, and spatial information, amino acid conservation, physicochemical variation, residue mobility, and thermodynamic stability) performed at Invitae indicates that this missense variant is expected to disrupt FLVCR2 protein function.